The following is an entry in ClinVar:

ClinVar aggregate classification (germline): Pathogenic (1 of 4 stars; one submission).

Conditions:
X-linked myopathy with postural muscle atrophy. Also called: FHL1-Related Emery-Dreifuss Muscular Dystrophy, X-Linked. Identifiers: Orphanet 178461, MedGen C2678055, MONDO:0010401, OMIM 300696.

Submission:

Labcorp Genetics (formerly Invitae), Labcorp
Classification: Pathogenic for X-linked myopathy with postural muscle atrophy. Last evaluated: 2021-08-05. Review status: criteria provided, single submitter. Criteria: Invitae Variant Classification Sherloc (09022015). Collection method: clinical testing. Allele origin: germline.
Comment: This variant has not been reported in the literature in individuals with FHL1-related disease. Loss-of-function variants in FHL1 are known to be pathogenic (PMID: 18179888, 19687455, 19716112, 22523091, 24114807). For these reasons, this variant has been classified as Pathogenic. This sequence change creates a premature translational stop signal (p.Phe105Leufs*26) in the FHL1 gene. It is expected to result in an absent or disrupted protein product. This variant is not present in population databases (ExAC no frequency).

Literature cited by the submitters: PubMed 18179888; PubMed 19687455; PubMed 19716112; PubMed 22523091; PubMed 24114807.

NM_001159699.2(FHL1):c.360dup (p.Phe121fs)

Gene: FHL1 (four and a half LIM domains 1; plus strand). Cytogenetic location: Xq26.3.
Variant type: Duplication.
Coding change: c.360dup on transcript NM_001159699.2 (MANE Select); coding-DNA position 360, one base duplicated (C; older notation c.360dupC).
Protein change: p.Phe121fs; shifts the reading frame from phenylalanine 121.
Molecular consequence: frameshift variant. On other transcripts: non-coding transcript variant (1).
Genome position (GRCh38, 1-based): chrX:136,207,171, C duplicated. VCF-style (leftmost placement, unchanged base first): chrX-136207170-G-GC. GRCh37 (hg19) VCF-style: chrX-135289329-G-GC.
Other names: c.312dupC (NM_001449.4); c.312dup, p.Phe105fs (NM_001159700.2, NM_001159702.3, NM_001159703.2 and 9 more transcripts); c.399dup, p.Phe134fs (NM_001159701.2); c.360dup, p.Phe121fs (NM_001330659.2); short protein forms F105fs, F121fs, F134fs.
Identifiers: ClinVar variation 537356 (VCV000537356.6), dbSNP rs1556638935, ClinGen allele CA658799873.
Genomic context (GRCh38, chrX:136,207,170, plus strand): 5'-ACAACAAGATCCTGTGCAACAAGTGCACCACTCGGGAGGACTCCCCCAAGTGCAAGGGGT[G>GC]CTTCAAGGCCATTGTGGCAGGTACTGCCTCCTTCCCACCCCGGGTTCCCAGGGAGGAGGC-3'